The following is an entry in ClinVar:

NM_198253.3(TERT):c.311T>A (p.Leu104Gln)

Gene: TERT (telomerase reverse transcriptase; minus strand). Cytogenetic location: 5p15.33.
Variant type: single nucleotide variant.
Coding change: c.311T>A on transcript NM_198253.3 (MANE Select); coding-DNA position 311, T replaced by A.
Protein change: p.Leu104Gln; replaces leucine 104 with glutamine.
Molecular consequence: missense variant. On other transcripts: non-coding transcript variant (2).
Genome position (GRCh38, 1-based): chr5:1,294,575, A>T on the plus strand (T>A on the coding strand, the complement: TERT is on the minus strand). VCF-style: chr5-1294575-A-T. GRCh37 (hg19) VCF-style: chr5-1294690-A-T.
Other names: c.311T>A, p.Leu104Gln (NM_001193376.3, NM_003219.1); short protein forms L104Q.
Identifiers: ClinVar variation 3238595 (VCV003238595.1), dbSNP rs2478429752.

ClinVar aggregate classification (germline): Uncertain significance (1 of 4 stars; one submission).

Conditions:
Dyskeratosis congenita. Identifiers: Orphanet 1775, MedGen C0265965, MONDO:0015780.

Submission:

Ambry Genetics
Classification: Uncertain significance for Dyskeratosis congenita. Last evaluated: 2023-12-16. Review status: criteria provided, single submitter. Criteria: Ambry Variant Classification Scheme 2023. Collection method: clinical testing. Allele origin: germline.
Comment: The p.L104Q variant (also known as c.311T>A), located in coding exon 2 of the TERT gene, results from a T to A substitution at nucleotide position 311. The leucine at codon 104 is replaced by glutamine, an amino acid with dissimilar properties. This amino acid position is conserved. In addition, the in silico prediction for this alteration is inconclusive. Since supporting evidence is limited at this time, the clinical significance of this alteration remains unclear.